The following is an entry in ClinVar:

ClinVar aggregate classification (germline): Uncertain significance. Review status: criteria provided, multiple submitters, no conflicts (2 of 4 stars). 2 submissions from 2 submitters: Uncertain significance (2). Last evaluated 2025-05-07.

Conditions:
Inborn genetic diseases. Identifiers: MedGen C0950123, MeSH D030342.

Allele frequency attached by ClinVar (database versions not stated): gnomAD exomes 0.00001.
gnomAD v4.1: 4 of 1,614,244 alleles (0.00025%); highest among the groups gnomAD compares: Non-Finnish European, 0.00034%; no homozygotes.

Submissions (2):

Ambry Genetics
Classification: Uncertain significance for Inborn genetic diseases. Last evaluated: 2025-05-07. Review status: criteria provided, single submitter. Criteria: Ambry Variant Classification Scheme 2023. Collection method: clinical testing. Allele origin: germline.

Laboratory for Molecular Medicine, Mass General Brigham Personalized Medicine
Classification: Uncertain significance. Last evaluated: 2016-01-15. Review status: criteria provided, single submitter. Criteria: LMM Criteria. Collection method: clinical testing. Allele origin: germline. Observed: 1 variant allele.
Comment: The p.Trp415Cys variant in ILDR1 has not been previously reported in individuals with hearing loss or in large population studies. Computational prediction tool s and conservation analyses suggest that the p.Trp415Cys variant may impact the protein, though this information is not predictive enough to determine pathogeni city. In summary, the clinical significance of the Trp415Cys variant is uncertai n.

NM_001199799.2(ILDR1):c.1245G>T (p.Trp415Cys)

Gene: ILDR1 (immunoglobulin like domain containing receptor 1; minus strand). Cytogenetic location: 3q13.33.
Variant type: single nucleotide variant.
Coding change: c.1245G>T on transcript NM_001199799.2 (MANE Select); coding-DNA position 1245, G replaced by T.
Protein change: p.Trp415Cys; replaces tryptophan 415 with cysteine.
Molecular consequence: missense variant.
Genome position (GRCh38, 1-based): chr3:121,993,504, C>A on the plus strand (G>T on the coding strand, the complement: ILDR1 is on the minus strand). VCF-style: chr3-121993504-C-A. GRCh37 (hg19) VCF-style: chr3-121712351-C-A.
Other names: c.978G>T, p.Trp326Cys (NM_001199800.2); c.1113G>T, p.Trp371Cys (NM_175924.4); short protein forms W415C, W326C, W371C.
Identifiers: ClinVar variation 228738 (VCV000228738.5), dbSNP rs140777020, ClinGen allele CA10576597.
Genomic context (GRCh38, chr3:121,993,504, plus strand): 5'-GCTCGGCCGCCAGCGTGCCTCACTGGATGAGGGGACATCGCTTAGGCTGTCCCTGTCTGA[C>A]CAGTGTATGGGTGACCCATTCAGCCTAGAGCTACGGTGCCTTCCACTCCACGATGGGTCC-3'
Protein context (NP_001186728.1, residues 405-425): SSRLNGSPIH[Trp415Cys]SDRDSLSDVP